The following is an entry in ClinVar:

NC_000011.10:g.47347065C>T

Gene: MYBPC3 (myosin binding protein C3; minus strand). Cytogenetic location: 11p11.2.
Variant type: single nucleotide variant.
Genome position: GRCh38 VCF-style: chr11-47347065-C-T. GRCh37 (hg19) VCF-style: chr11-47368616-C-T.
Other names: p.?; c.906-36G>A (LRG_386t1, NM_000256.3).
Identifiers: ClinVar variation 219660 (VCV000219660.48), dbSNP rs864622197, ClinGen allele CA349273.

ClinVar aggregate classification (germline): Conflicting classifications of pathogenicity. Review status: criteria provided, conflicting classifications (1 of 4 stars). 17 submissions from 17 submitters: Pathogenic (10); Likely pathogenic (4); Uncertain significance (1). 2 of the submissions do not count toward it. Last evaluated 2026-01-07.

Conditions:
Cardiomyopathy (CMYO). Also called: Cardiomyopathies. Identifiers: Orphanet 167848, MedGen C0878544, MONDO:0004994, HP:0001638. Inheritance: Various modes of inheritance.
Hypertrophic cardiomyopathy 4. Also called: Familial hypertrophic cardiomyopathy 4. Identifiers: MedGen C1861862, MONDO:0007268, OMIM 115197.
MYBPC3-related disorder. Also called: MYBPC3-related disorders; MYBPC3-related condition; MYBPC3-related disease.
Hypertrophic cardiomyopathy. Also called: HYPERTROPHIC MYOCARDIOPATHY. Identifiers: Orphanet 217569, MedGen C0007194, MeSH D002312, MONDO:0005045, HP:0001639.
Cardiovascular phenotype. Identifiers: MedGen CN230736.

Allele frequency attached by ClinVar (database versions not stated): gnomAD exomes below 0.00001.
gnomAD v4.1: 1 of 867,384 alleles (0.00012%); highest among the groups gnomAD compares: Non-Finnish European, 0.0002%; no homozygotes.

Submissions 1 to 12 of 17:

Labcorp Genetics (formerly Invitae), Labcorp
Classification: Pathogenic for Hypertrophic cardiomyopathy. Last evaluated: 2026-01-07. Review status: criteria provided, single submitter. Criteria: Invitae Variant Classification Sherloc (09022015). Collection method: clinical testing. Allele origin: germline.
Comment: This sequence change falls in intron 9 of the MYBPC3 gene. It does not directly change the encoded amino acid sequence of the MYBPC3 protein. RNA analysis indicates that this variant induces altered splicing and may result in an absent or altered protein product. This variant is not present in population databases (gnomAD no frequency). This variant has been observed in individuals with hypertrophic cardiomyopathy (PMID: 18337725, 31730716; internal data). It has also been observed to segregate with disease in related individuals. ClinVar contains an entry for this variant (Variation ID: 219660). Studies have shown that this variant results in creation of a de novo splice acceptor, and produces a non-functional protein and/or introduces a premature termination codon (PMID: 18337725). For these reasons, this variant has been classified as Pathogenic.

3billion
Classification: Pathogenic for Hypertrophic cardiomyopathy 4. Last evaluated: 2025-12-22. Review status: criteria provided, single submitter. Criteria: ACMG Guidelines, 2015. Collection method: clinical testing. Allele origin: germline. Affected: yes.
Comment: The variant is observed at an extremely low frequency in the gnomAD v4.1.0 dataset (total allele frequency: <0.001%). Predicted Consequence/Location: Intron variant: previously reported to alter splicing and result in a loss of normal protein function through nonsense-mediated decay (NMD) or protein truncation (PMID: 18337725). In silico tools predict the variant to alter splicing and produce an abnormal transcript [SpliceAI: 0.91 (spliceogenicity >=0.2, non-spliceogenicity <0.1)]. Intron variant: previously reported to alter splicing and result in a loss of normal protein function through nonsense-mediated decay (NMD) or protein truncation (PMID: 18337725). Therefore, this variant is classified as Pathogenic according to the recommendation of ACMG/AMP guideline.

Mayo Clinic Laboratories, Mayo Clinic
Classification: Pathogenic. Last evaluated: 2025-11-13. Review status: criteria provided, single submitter. Criteria: ACMG Guidelines, 2015. Collection method: clinical testing. Allele origin: germline. Observed: 1 variant allele.
Comment: PP3, PM2_supporting, PS4_moderate, PVS1_strong

Color Diagnostics, LLC DBA Color Health
Classification: Pathogenic for Cardiomyopathy. Last evaluated: 2025-07-20. Review status: criteria provided, single submitter. Criteria: ACMG Guidelines, 2015. Collection method: clinical testing. Allele origin: germline.
Comment: This variant causes a G to A nucleotide substitution at the -36 position of intron 9 of the MYBPC3 gene. A functional RNA study using cells derived from a carrier individual has shown that this variant creates a new splice acceptor site and causes the inclusion of 34 nucleotides of intron 9 into exon 10, leading to a frameshift in exon 10 and premature termination codon in exon 12 (PMID: 18337725). This mutant transcript is expected to result in an absent or non-functional protein product. This variant has been reported in more than ten unrelated individuals affected with hypertrophic cardiomyopathy (PMID: 18337725, 31730716, 32396390ClinVar variation ID: 219660). This variant has not been identified in the general population by the Genome Aggregation Database (gnomAD). Loss of MYBPC3 function is a known mechanism of disease. Based on the available evidence, this variant is classified as Pathogenic.

Ambry Genetics
Classification: Pathogenic for Cardiovascular phenotype. Last evaluated: 2025-04-22. Review status: criteria provided, single submitter. Criteria: Ambry Variant Classification Scheme 2023. Collection method: clinical testing. Allele origin: germline.
Comment: The c.906-36G>A intronic pathogenic mutation results from a G to A substitution 36 nucleotides upstream from coding exon 10 in the MYBPC3 gene. This alteration (also referred to as IVS9-36G>A) has been reported in multiple individuals in hypertrophic cardiomyopathy (HCM) cohorts, and RNA studies revealed aberrant splicing resulting in premature protein truncation (Erdmann J et al. Clin Genet, 2003 Oct;64:339-49; Frank-Hansen R et al. Eur. J. Hum. Genet., 2008 Sep;16:1062-9; Salman OF et al. Front Cardiovasc Med, 2018 Jun;5:77; Janin A et al. Hum Mutat, 2020 02;41:465-475; Lopes LR et al. Circ Genom Precis Med, 2020 06;13:e002905, Ambry internal data). This variant is considered to be rare based on population cohorts in the Genome Aggregation Database (gnomAD). Based on the supporting evidence, this alteration is interpreted as a disease-causing mutation.

Blueprint Genetics
Classification: Pathogenic for MYBPC3-related disorders. Last evaluated: 2024-10-14. Review status: criteria provided, single submitter. Criteria: ACMG Guidelines, 2015. Collection method: clinical testing. Allele origin: germline. Affected: yes. Observed: 5 variant alleles.

CeGaT Center for Human Genetics Tuebingen
Classification: Uncertain significance. Last evaluated: 2024-08-01. Review status: criteria provided, single submitter. Criteria: CeGaT Center For Human Genetics Tuebingen Variant Classification Criteria Version 2. Collection method: clinical testing. Allele origin: germline. Affected: yes. Observed: 1 variant allele.
Comment: MYBPC3: PM2, PS4:Moderate, PP3

Molecular Diagnostic Laboratory for Inherited Cardiovascular Disease, Montreal Heart Institute
Classification: Pathogenic for Cardiovascular phenotype. Last evaluated: 2023-08-15. Review status: criteria provided, single submitter. Criteria: ACMG Guidelines, 2015. Collection method: clinical testing. Allele origin: germline. Affected: yes.

Clinical Genetics Laboratory, Skane University Hospital Lund
Classification: Pathogenic. Last evaluated: 2023-01-31. Review status: criteria provided, single submitter. Criteria: ACMG Guidelines, 2015. Collection method: clinical testing. Allele origin: germline. Affected: yes.

CHEO Genetics Diagnostic Laboratory, Children's Hospital of Eastern Ontario
Classification: Pathogenic for Cardiomyopathy. Last evaluated: 2022-10-27. Review status: criteria provided, single submitter. Criteria: ACMG Guidelines, 2015. Collection method: clinical testing. Allele origin: germline.

GeneDx
Classification: Pathogenic. Last evaluated: 2021-12-16. Review status: criteria provided, single submitter. Criteria: GeneDx Variant Classification Process June 2021. Collection method: clinical testing. Allele origin: germline. Affected: yes.
Comment: Not observed at significant frequency in large population cohorts (Lek et al., 2016); Non-canonical splice site variant demonstrated to result in loss-of-function; published functional mRNA studies demonstrate that this variant creates a de novo splice acceptor site in intron 9 and leads to abnormal gene splicing which results in the inclusion of an additional 34 nucleotides of intron 9 into the MYBPC3 mRNA (Frank-Hansen et al., 2008); Reported in ClinVar as pathogenic and noted to segregate with disease in a family by another clinical laboratory (ClinVar Variant ID 219660; Landrum et al., 2016); This variant is associated with the following publications: (PMID: 31730716, 29998127, 12974739, 18337725, 30297972, 22267749, 32396390, 27535533)

Victorian Clinical Genetics Services, Murdoch Childrens Research Institute
Classification: Likely pathogenic for Hypertrophic cardiomyopathy 4. Last evaluated: 2020-05-21. Review status: criteria provided, single submitter. Criteria: ACMG Guidelines, 2015. Collection method: clinical testing. Allele origin: germline. Affected: yes.
Comment: Based on the classification scheme VCGS_Germline_v1.1.1, this variant is classified as Likely Pathogenic. Following criteria are met: 0102 - Loss-of-function is a known mechanism of disease for this gene. (N) 0108 - This gene is known to be associated with both recessive and dominant disease. (N) 0112 - Variants in this gene are known to have reduced penetrance (OMIM). (N) 0201 - Variant is predicted to cause nonsense-mediated decay (NMD) and loss of protein. (P) 0210 - Splice site variant (canonical or non-canonical) proven to affect splicing/expression of the transcript with a known effect on protein structure. This variant has been shown to activate a cryptic splice site, resulting in an inclusion of 34 nt of intron 9 into exon 10. This insertion produces a frameshift resulting in a premature termination codon in exon 12 (PMID: 18337725). (N) 0251 - Variant is heterozygous. (N) 0301 - Variant is absent from gnomAD. (P) 0508 - In-silico predictions for abnormal splicing are conflicting. (N) 0701 - Comparable variants have very strong previous evidence for pathogenicity. Other variants predicted to cause NMD have been reported in ClinVar as pathogenic. (P) 0802 - Moderate previous evidence of pathogenicity in unrelated individuals. The variant has been previously reported as pathogenic in patients with hypertrophic cardiomyopathy (ClinVar, PMID: 18337725, 31730716). (P) 1007 - No published functional evidence has been identified for this variant. (N) 1208 - Inheritance information for this variant is not currently available. (N) Legend: (P) - Pathogenic, (N) - Neutral, (B) - Benign